The following is an entry in ClinVar:

NM_007289.4(MME):c.720+1G>A

Gene: MME (membrane metalloendopeptidase; plus strand). Cytogenetic location: 3q25.2.
Variant type: single nucleotide variant.
Coding change: c.720+1G>A on transcript NM_007289.4 (MANE Select); the canonical splice donor site of the intron after coding-DNA position 720, G replaced by A.
Molecular consequence: splice donor variant.
Genome position (GRCh38, 1-based): chr3:155,118,812, G>A. VCF-style: chr3-155118812-G-A. GRCh37 (hg19) VCF-style: chr3-154836601-G-A.
Other names: c.720+1G>A (NM_001354642.2, NM_000902.5, NM_007287.4 and 2 more transcripts).
Identifiers: ClinVar variation 1922858 (VCV001922858.5), dbSNP rs199987860, ClinGen allele CA85810477.

ClinVar aggregate classification (germline): Likely pathogenic (1 of 4 stars; one submission).

Allele frequency attached by ClinVar (database versions not stated): gnomAD 0.00001; gnomAD exomes 0.00001.
gnomAD v4.1: 14 of 1,577,218 alleles (0.00089%); highest among the groups gnomAD compares: Non-Finnish European, 0.0012%; no homozygotes.

Submission:

Labcorp Genetics (formerly Invitae), Labcorp
Classification: Likely pathogenic. Last evaluated: 2025-10-08. Review status: criteria provided, single submitter. Criteria: Invitae Variant Classification Sherloc (09022015). Collection method: clinical testing. Allele origin: germline.
Comment: This sequence change affects a donor splice site in intron 8 of the MME gene. It is expected to disrupt RNA splicing. Variants that disrupt the donor or acceptor splice site typically lead to a loss of protein function (PMID: 16199547), and loss-of-function variants in MME are known to be pathogenic (PMID: 26991897). The frequency data for this variant in the population databases is considered unreliable, as metrics indicate poor data quality at this position in the gnomAD database. This variant has not been reported in the literature in individuals affected with MME-related conditions. ClinVar contains an entry for this variant (Variation ID: 1922858). Algorithms developed to predict the effect of sequence changes on RNA splicing suggest that this variant may disrupt the consensus splice site. In summary, the currently available evidence indicates that the variant is pathogenic, but additional data are needed to prove that conclusively. Therefore, this variant has been classified as Likely Pathogenic.

Literature cited by the submitters: PubMed 16199547; PubMed 26991897.